The following is an entry in ClinVar:

NM_000038.6(APC):c.3256_3263dup (p.Lys1088fs)

Gene: APC (APC regulator of Wnt signaling pathway; plus strand). Cytogenetic location: 5q22.2.
Variant type: Duplication.
Coding change: c.3256_3263dup on transcript NM_000038.6 (MANE Select); coding-DNA positions 3256 to 3263, 8 bases duplicated (CACCTCAA; older notation c.3256_3263dupCACCTCAA).
Protein change: p.Lys1088fs; shifts the reading frame from lysine 1088.
Molecular consequence: frameshift variant. On other transcripts: non-coding transcript variant (2).
Genome position (GRCh38, 1-based): chr5:112,838,850-112,838,857, CACCTCAA duplicated; duplicating any 8 consecutive bases within chr5:112,838,848-112,838,857 gives the same sequence; the c. name uses the placement nearest the transcript's 3' end. VCF-style (leftmost placement, unchanged base first): chr5-112838847-A-AAACACCTC. GRCh37 (hg19) VCF-style: chr5-112174544-A-AAACACCTC.
Other names: c.3256_3263dup, p.Lys1088fs (NM_001127510.3, NM_001354895.2, NM_001407450.1); c.3202_3209dup, p.Lys1070fs (NM_001127511.3); c.3310_3317dup, p.Lys1106fs (NM_001354896.2, NM_001407447.1, NM_001407448.1 and 1 more transcripts); c.3286_3293dup, p.Lys1098fs (NM_001354897.2); c.3181_3188dup, p.Lys1063fs (NM_001354898.2); c.3172_3179dup, p.Lys1060fs (NM_001354899.2); c.3133_3140dup, p.Lys1047fs (NM_001354900.2); c.3079_3086dup, p.Lys1029fs (NM_001354901.2, NM_001407453.1); and 11 more; short protein forms K1005fs, K1029fs, K1047fs, K1060fs, K1063fs, K1070fs, K1078fs, K1081fs.
Identifiers: ClinVar variation 2583510 (VCV002583510.2), dbSNP rs2533483813, ClinGen allele CA2582341500.

ClinVar aggregate classification (germline): Pathogenic (1 of 4 stars; one submission).

Conditions:
Familial adenomatous polyposis 1 (FAP1). Also called: POLYPOSIS, ADENOMATOUS INTESTINAL; FAMILIAL ADENOMATOUS POLYPOSIS 1, ATTENUATED. Identifiers: MedGen C2713442, MONDO:0021056, OMIM 175100. Disease mechanism: loss of function.

Submission:

Myriad Genetics, Inc.
Classification: Pathogenic for Familial adenomatous polyposis 1. Last evaluated: 2023-05-08. Review status: criteria provided, single submitter. Criteria: Myriad Autosomal Dominant, Autosomal Recessive and X-Linked Classification Criteria (2023). Collection method: clinical testing. Allele origin: unknown.
Comment: This variant is considered pathogenic. This variant creates a frameshift predicted to result in premature protein truncation.